The following is an entry in ClinVar:

ClinVar aggregate classification (germline): Pathogenic (1 of 4 stars; one submission).

Submission:

GeneDx
Classification: Pathogenic. Last evaluated: 2024-08-29. Review status: criteria provided, single submitter. Criteria: GeneDx Variant Classification Process June 2021. Collection method: clinical testing. Allele origin: germline. Affected: yes.
Comment: Reported in a patient with Sotos syndrome in published literature (PMID: 14517949); Published functional studies demonstrate disrupted binding to methylated lysine and reduced binding to transcription factor Nizp1 (PMID: 21972110); In silico analysis supports that this missense variant has a deleterious effect on protein structure/function; Not observed at significant frequency in large population cohorts (gnomAD); This variant is associated with the following publications: (PMID: 14517949, 21972110)

NM_022455.5(NSD1):c.6499T>C (p.Cys2167Arg)

Gene: NSD1 (nuclear receptor binding SET domain protein 1; plus strand). Cytogenetic location: 5q35.3.
Variant type: single nucleotide variant.
Coding change: c.6499T>C on transcript NM_022455.5 (MANE Select); coding-DNA position 6499, T replaced by C.
Protein change: p.Cys2167Arg; replaces cysteine 2167 with arginine.
Molecular consequence: missense variant.
Genome position (GRCh38, 1-based): chr5:177,293,867, T>C. VCF-style: chr5-177293867-T-C. GRCh37 (hg19) VCF-style: chr5-176720868-T-C.
Other names: c.6079T>C, p.Cys2027Arg (NM_001409304.1); c.5746T>C, p.Cys1916Arg (NM_001409305.1); c.5737T>C, p.Cys1913Arg (NM_001409306.1, NM_001409307.1); c.5626T>C, p.Cys1876Arg (NM_001409308.1, NM_172349.5, NM_001365684.2); c.5377T>C, p.Cys1793Arg (NM_001409309.1); c.6499T>C, p.Cys2167Arg (NM_001409301.1, NM_001409302.1, NM_001409303.1); short protein forms C1793R, C1876R, C1913R, C1916R, C2027R, C2167R.
Identifiers: ClinVar variation 3766054 (VCV003766054.1).
Genomic context (GRCh38, chr5:177,293,867, plus strand): 5'-TTTTGATTTACTTCTGTGTTTTCAGGGAAATGGGAATGTCCGTGGCATCAGTGTGACATC[T>C]GCGGGAAGGAAGCAGCCTCCTTCTGTGAGATGTGCCCCAGCTCCTTTTGTAAGCAGCATC-3'
Protein context (NP_071900.2, residues 2157-2177): WECPWHQCDI[Cys2167Arg]GKEAASFCEM